The following is an entry in ClinVar:

ClinVar aggregate classification (germline): Likely pathogenic (1 of 4 stars; one submission).

Submission:

Quest Diagnostics Nichols Institute San Juan Capistrano
Classification: Likely pathogenic. Last evaluated: 2021-04-20. Review status: criteria provided, single submitter. Criteria: Quest Diagnostics criteria. Collection method: clinical testing. Allele origin: unknown.
Comment: This variant is expected to result in the loss of a functional protein. This variant has not been reported in large, multi-ethnic general populations.

NM_000038.6(APC):c.2454del (p.Asn818fs)

Gene: APC (APC regulator of WNT signaling pathway; plus strand). Cytogenetic location: 5q22.2.
Variant type: Deletion.
Coding change: c.2454del on transcript NM_000038.6 (MANE Select); coding-DNA position 2454, one base deleted (C; older notation c.2454delC).
Protein change: p.Asn818fs; shifts the reading frame from asparagine 818.
Molecular consequence: frameshift variant.
Genome position (GRCh38, 1-based): chr5:112,838,048, C deleted. VCF-style (leftmost placement, unchanged base first): chr5-112838047-AC-A. GRCh37 (hg19) VCF-style: chr5-112173744-AC-A.
Other names: c.2454del, p.Asn818fs (NM_001127510.3, NM_001354895.2); c.2400del, p.Asn800fs (NM_001127511.3); c.2508del, p.Asn836fs (NM_001354896.2); c.2484del, p.Asn828fs (NM_001354897.2); c.2379del, p.Asn793fs (NM_001354898.2); c.2370del, p.Asn790fs (NM_001354899.2); c.2331del, p.Asn777fs (NM_001354900.2); c.2277del, p.Asn759fs (NM_001354901.2); and 5 more; short protein forms N535fs, N658fs, N692fs, N717fs, N727fs, N759fs, N777fs, N790fs.
Identifiers: ClinVar variation 1330112 (VCV001330112.1), dbSNP rs2149869903, ClinGen allele CA2573052387.